The following is an entry in ClinVar:

ClinVar aggregate classification (germline): Benign/Likely benign. Review status: criteria provided, multiple submitters, no conflicts (2 of 4 stars). 3 submissions from 3 submitters: Benign (1); Likely benign (2). Last evaluated 2024-10-28.

Conditions:
Hereditary cancer-predisposing syndrome. Also called: Hereditary neoplastic syndrome; Neoplastic Syndromes, Hereditary; Tumor predisposition; Hereditary Cancer Syndrome. Identifiers: Orphanet 140162, MedGen C0027672, MeSH D009386, MONDO:0015356.
Oligodontia-cancer predisposition syndrome. Also called: TOOTH AGENESIS-COLORECTAL CANCER SYNDROME. Identifiers: Orphanet 300576, MedGen C1837750, MONDO:0012075, OMIM 608615. Disease mechanism: loss of function.

Allele frequency attached by ClinVar (database versions not stated): gnomAD exomes below 0.00001; TOPMed below 0.00001; gnomAD 0.00001.
gnomAD v4.1: 2 of 1,557,608 alleles (0.00013%); highest among the groups gnomAD compares: Non-Finnish European, 0.00017%; no homozygotes.

Submissions (3):

Labcorp Genetics (formerly Invitae), Labcorp
Classification: Likely benign for Oligodontia-cancer predisposition syndrome. Last evaluated: 2024-10-28. Review status: criteria provided, single submitter. Criteria: Invitae Variant Classification Sherloc (09022015). Collection method: clinical testing. Allele origin: germline.

Myriad Genetics, Inc.
Classification: Benign for Oligodontia-cancer predisposition syndrome. Last evaluated: 2024-07-02. Review status: criteria provided, single submitter. Criteria: Myriad Autosomal Dominant, Autosomal Recessive and X-Linked Classification Criteria (2023). Collection method: clinical testing. Allele origin: unknown.
Comment: This variant is considered benign. This variant is a silent/synonymous amino acid change and it is not expected to impact splicing.

Ambry Genetics
Classification: Likely benign for Hereditary cancer-predisposing syndrome. Last evaluated: 2023-01-01. Review status: criteria provided, single submitter. Criteria: Ambry Variant Classification Scheme 2023. Collection method: clinical testing. Allele origin: germline.

NM_004655.4(AXIN2):c.1323T>C (p.Asp441=)

Gene: AXIN2 (axin 2; minus strand). Cytogenetic location: 17q24.1.
Variant type: single nucleotide variant.
Coding change: c.1323T>C on transcript NM_004655.4 (MANE Select); coding-DNA position 1323, T replaced by C.
Protein change: p.Asp441=; no amino-acid change (aspartic acid 441 retained).
Molecular consequence: synonymous variant.
Genome position (GRCh38, 1-based): chr17:65,537,713, A>G on the plus strand (T>C on the coding strand, the complement: AXIN2 is on the minus strand). VCF-style: chr17-65537713-A-G. GRCh37 (hg19) VCF-style: chr17-63533831-A-G.
Other names: c.1323T>C, p.Asp441= (NM_001363813.1); c.1323T>C (NM_004655.3).
Identifiers: ClinVar variation 1147921 (VCV001147921.11), dbSNP rs1427901007, ClinGen allele CA501691270.